The following is an entry in ClinVar:

ClinVar aggregate classification (germline): Uncertain significance (1 of 4 stars; one submission).

gnomAD v4.1: 2 of 1,211,661 alleles (0.00017%); no homozygotes.

Submission:

GeneDx
Classification: Uncertain significance. Last evaluated: 2024-07-26. Review status: criteria provided, single submitter. Criteria: GeneDx Variant Classification Process June 2021. Collection method: clinical testing. Allele origin: germline.
Comment: Not observed at significant frequency in large population cohorts (gnomAD); In silico analysis supports that this missense variant has a deleterious effect on protein structure/function; Has not been previously published as pathogenic or benign to our knowledge

NM_001555.5(IGSF1):c.3628G>T (p.Asp1210Tyr)

Gene: IGSF1 (immunoglobulin superfamily member 1; minus strand). Cytogenetic location: Xq26.1.
Variant type: single nucleotide variant.
Coding change: c.3628G>T on transcript NM_001555.5 (MANE Select); coding-DNA position 3628, G replaced by T.
Protein change: p.Asp1210Tyr; replaces aspartic acid 1210 with tyrosine.
Molecular consequence: missense variant.
Genome position (GRCh38, 1-based): chrX:131,274,722, C>A on the plus strand (G>T on the coding strand, the complement: IGSF1 is on the minus strand). VCF-style: chrX-131274722-C-A. GRCh37 (hg19) VCF-style: chrX-130408696-C-A.
Other names: c.3643G>T, p.Asp1215Tyr (NM_001170961.2); c.3601G>T, p.Asp1201Tyr (NM_001170962.2); short protein forms D1201Y, D1210Y, D1215Y.
Identifiers: ClinVar variation 1800837 (VCV001800837.2), dbSNP rs2522184399, ClinGen allele CA414556674.